The following is an entry in ClinVar:

ClinVar aggregate classification (germline): Likely pathogenic. Review status: criteria provided, multiple submitters, no conflicts (2 of 4 stars). 3 submissions from 3 submitters: Likely pathogenic (2). 1 of the submissions does not count toward it. Last evaluated 2023-11-12.

Conditions:
Autosomal recessive Alport syndrome (ATS2). Also called: COL4A3-Related Nephropathy; Alport syndrome type 2; ALPORT SYNDROME 2, AUTOSOMAL RECESSIVE; COL4A4 Alport Syndrome and Thin Basement Membrane Nephropathy. Identifiers: Orphanet 63, Orphanet 88919, MedGen C4746745, MONDO:0008762, OMIM 203780.
Benign familial hematuria. Also called: thin basement membrane disease. Identifiers: MedGen C0241908, MONDO:0957317.

Allele frequency attached by ClinVar (database versions not stated): TOPMed below 0.00001.

Submissions (3):

Labcorp Genetics (formerly Invitae), Labcorp
Classification: Likely pathogenic. Last evaluated: 2023-11-12. Review status: criteria provided, single submitter. Criteria: Invitae Variant Classification Sherloc (09022015). Collection method: clinical testing. Allele origin: germline.
Comment: This sequence change affects a donor splice site in intron 29 of the COL4A4 gene. It is expected to disrupt RNA splicing. Variants that disrupt the donor or acceptor splice site typically lead to a loss of protein function (PMID: 16199547), and loss-of-function variants in COL4A4 are known to be pathogenic (PMID: 21196518, 24854265, 25307543). This variant is not present in population databases (gnomAD no frequency). Disruption of this splice site has been observed in individual(s) with clinical features of COL4A4-related conditions (PMID: 30586318). ClinVar contains an entry for this variant (Variation ID: 562375). Algorithms developed to predict the effect of sequence changes on RNA splicing suggest that this variant may disrupt the consensus splice site. In summary, the currently available evidence indicates that the variant is pathogenic, but additional data are needed to prove that conclusively. Therefore, this variant has been classified as Likely Pathogenic.

Fulgent Genetics
Classification: Likely pathogenic for Hematuria, benign familial, 1; Autosomal recessive Alport syndrome. Last evaluated: 2021-10-29. Review status: criteria provided, single submitter. Criteria: ACMG Guidelines, 2015. Collection method: clinical testing. Allele origin: unknown.

Gharavi Laboratory, Columbia University
Classification: Likely pathogenic. Last evaluated: 2018-09-16. Review status: no assertion criteria provided. Criteria: ACMG Guidelines, 2015. Collection method: research. Allele origin: germline. Affected: yes. Not counted in ClinVar's aggregate classification.

Literature cited by the submitters: PubMed 16199547 (cited by Labcorp Genetics (formerly Invitae), Labcorp); PubMed 21196518 (cited by Labcorp Genetics (formerly Invitae), Labcorp); PubMed 24854265 (cited by Labcorp Genetics (formerly Invitae), Labcorp); PubMed 25307543 (cited by Labcorp Genetics (formerly Invitae), Labcorp); PubMed 30586318 (cited by Labcorp Genetics (formerly Invitae), Labcorp).

NM_000092.5(COL4A4):c.2545+2T>G

Gene: COL4A4 (collagen type IV alpha 4 chain; minus strand). Cytogenetic location: 2q36.3.
Variant type: single nucleotide variant.
Coding change: c.2545+2T>G on transcript NM_000092.5 (MANE Select); the canonical splice donor site of the intron after coding-DNA position 2545, T replaced by G.
Molecular consequence: splice donor variant.
Genome position (GRCh38, 1-based): chr2:227,057,437, A>C on the plus strand (T>G on the coding strand, the complement: COL4A4 is on the minus strand). VCF-style: chr2-227057437-A-C. GRCh37 (hg19) VCF-style: chr2-227922153-A-C.
Identifiers: ClinVar variation 562375 (VCV000562375.5), dbSNP rs1559515075, ClinGen allele CA350841151.